The following is an entry in ClinVar:

NM_002734.5(PRKAR1A):c.791G>T (p.Arg264Leu)

Gene: PRKAR1A (protein kinase cAMP-dependent type I regulatory subunit alpha; plus strand). Cytogenetic location: 17q24.2.
Variant type: single nucleotide variant.
Coding change: c.791G>T on transcript NM_002734.5 (MANE Select); coding-DNA position 791, G replaced by T.
Protein change: p.Arg264Leu; replaces arginine 264 with leucine.
Molecular consequence: missense variant.
Genome position (GRCh38, 1-based): chr17:68,528,891, G>T. VCF-style: chr17-68528891-G-T. GRCh37 (hg19) VCF-style: chr17-66525032-G-T.
Other names: c.791G>T, p.Arg264Leu (NM_001276289.2, NM_001276290.1, NM_001278433.2 and 4 more transcripts); short protein forms R264L.
Identifiers: ClinVar variation 5027328 (VCV005027328.1).
Genomic context (GRCh38, chr17:68,528,891, plus strand): 5'-AAATAATACAGAGCAGTTATTTTGATTCTTGTCTTTCAGAGTCTCTGGACAAGTGGGAAC[G>T]TCTTACGGTAGCTGATGCATTGGAACCAGTGCAGTTTGAAGATGGGCAGAAGATTGTGGT-3'
Protein context (NP_002725.1, residues 254-274): SILESLDKWE[Arg264Leu]LTVADALEPV

ClinVar aggregate classification (germline): Uncertain significance (1 of 4 stars; one submission).

Conditions:
Hereditary cancer-predisposing syndrome. Also called: Neoplastic Syndromes, Hereditary; Tumor predisposition; Hereditary neoplastic syndrome; Hereditary Cancer Syndrome. Identifiers: Orphanet 140162, MedGen C0027672, MeSH D009386, MONDO:0015356.

Submission:

Ambry Genetics
Classification: Uncertain significance for Hereditary cancer-predisposing syndrome. Last evaluated: 2026-07-07. Review status: criteria provided, single submitter. Criteria: Ambry Variant Classification Scheme 2023. Collection method: clinical testing. Allele origin: germline.
Comment: The p.R264L variant (also known as c.791G>T), located in coding exon 8 of the PRKAR1A gene, results from a G to T substitution at nucleotide position 791. The arginine at codon 264 is replaced by leucine, an amino acid with dissimilar properties. This amino acid position is conserved. In addition, this alteration is predicted to be deleterious by in silico analysis. Based on the available evidence, the clinical significance of this variant remains unclear.